The following is an entry in ClinVar:

ClinVar aggregate classification (germline): Likely pathogenic (1 of 4 stars; one submission).

Conditions:
Saldino-Mainzer syndrome (SRTD9). Also called: CONORENAL SYNDROME; Renal dysplasia, retinal pigmentary dystrophy, cerebellar ataxia and skeletal dysplasia; SHORT-RIB THORACIC DYSPLASIA 9 WITHOUT POLYDACTYLY; short-rib thoracic dysplasia 9 with or without polydactyly. Identifiers: Orphanet 140969, MedGen C1849437, MONDO:0009964, OMIM 266920.

Submission:

Child Health Department, West China Second University Hospital, Sichuan University
Classification: Likely pathogenic for Saldino-Mainzer syndrome. Last evaluated: 2023-11-19. Review status: criteria provided, single submitter. Criteria: ACMG Guidelines, 2015. Collection method: clinical testing. Allele origin: germline. Inheritance: Autosomal recessive inheritance. Affected: yes. Observed: 1 compound heterozygote.
Comment: This variant is not found in dbSNP, 1000 Genomes, gnomAD. MAF<0.005, indicating a low frequency variant (PM2). This variant is located in the same allele as the known pathogenic variant (c.1990 G>A) (PM3). Two statistical methods predict that the variant has an effect on the gene (gene product) : conservation and protein structure predict harm (Kumar 2009, Adzhubei 2010) [sift, Polyphen2_HDIV, Polyphen2_HVAR, PROVEAN, MutationTaster, M-CAP, REVEL, GERP, phy1oP20way, phastCons20way] (PP3). Mainzer-Saldino syndrome (MSS) is a highly specific disease. Radiology results showed cone-shaped epiphysis and renal lesions. This highly coincides with the clinical presentation of MSS (PP4).

Literature cited by the submitters: PubMed 19561590; PubMed 20354512.

NM_014714.4(IFT140):c.2471T>C (p.Leu824Pro)

Gene: IFT140 (intraflagellar transport 140; minus strand). Cytogenetic location: 16p13.3.
Variant type: single nucleotide variant.
Coding change: c.2471T>C on transcript NM_014714.4 (MANE Select); coding-DNA position 2471, T replaced by C.
Protein change: p.Leu824Pro; replaces leucine 824 with proline.
Molecular consequence: missense variant.
Genome position (GRCh38, 1-based): chr16:1,526,725, A>G on the plus strand (T>C on the coding strand, the complement: IFT140 is on the minus strand). VCF-style: chr16-1526725-A-G. GRCh37 (hg19) VCF-style: chr16-1576726-A-G.
Other names: short protein forms L824P.
Identifiers: ClinVar variation 3767248 (VCV003767248.2).
Genomic context (GRCh38, chr16:1,526,725, plus strand): 5'-TCCGGCTCCTGCTCCGCCTCACGCAGCGCTCGGGCCCCGCGGGCATGGCCCATGTTCCCC[A>G]GGCACACCTTGGCCACGTCCAGCCGCTGGGTCTTCACGCACATGCGCGCCATGTTCTCCC-3'
Protein context (NP_055529.2, residues 814-834): TQRLDVAKVC[Leu824Pro]GNMGHARGAR